The following is an entry in ClinVar:

NM_014009.4(FOXP3):c.155G>T (p.Gly52Val)

Gene: FOXP3 (forkhead box P3; minus strand). Cytogenetic location: Xp11.23.
Variant type: single nucleotide variant.
Coding change: c.155G>T on transcript NM_014009.4 (MANE Select); coding-DNA position 155, G replaced by T.
Protein change: p.Gly52Val; replaces glycine 52 with valine.
Molecular consequence: missense variant.
Genome position (GRCh38, 1-based): chrX:49,258,351, C>A on the plus strand (G>T on the coding strand, the complement: FOXP3 is on the minus strand). VCF-style: chrX-49258351-C-A. GRCh37 (hg19) VCF-style: chrX-49114808-C-A.
Other names: p.Gly52Val; c.155G>T, p.Gly52Val (NM_001114377.2); short protein forms G52V.
Identifiers: ClinVar variation 712945 (VCV000712945.21), dbSNP rs17847095, ClinGen allele CA10411852.
Genomic context (GRCh38, chrX:49,258,351, plus strand): 5'-CTCACCTGCAGCTGCGATGGTGGCATGGGGTTCAAGGAAGAAGAGGAGGCATGGGCCCCG[C>A]CTCGAAGATCTCGGCCCTGGAAGGTTCCCCCTGGGCCCCGGGCCCCCAGCAGGTCTGAGG-3'
Protein context (NP_054728.2, residues 42-62): GGTFQGRDLR[Gly52Val]GAHASSSSLN

ClinVar aggregate classification (germline): Benign/Likely benign. Review status: criteria provided, multiple submitters, no conflicts (2 of 4 stars). 9 submissions from 9 submitters: Benign (5); Likely benign (2). 2 of the submissions do not count toward it. Last evaluated 2026-02-02.

Conditions:
FOXP3-related disorder. Also called: FOXP3-related condition.
Insulin-dependent diabetes mellitus secretory diarrhea syndrome (IPEX). Also called: Immunodysregulation, polyendocrinopathy, and enteropathy, X-linked; Immunodeficiency, Polyendocrinopathy, and Enteropathy X-Linked Syndrome; X-Linked Syndrome of Polyendocrinopathy, Immune Dysfunction, and Diarrhea; DIABETES MELLITUS, CONGENITAL INSULIN-DEPENDENT, WITH FATAL SECRETORY DIARRHEA; DIARRHEA, POLYENDOCRINOPATHY, FATAL INFECTION SYNDROME, X-LINKED; ENTEROPATHY, AUTOIMMUNE, WITH HEMOLYTIC ANEMIA AND POLYENDOCRINOPATHY. Identifiers: Orphanet 37042, MedGen C0342288, MONDO:0010580, OMIM 304790. Disease mechanism: loss of function.
Non-obstructive azoospermia. Identifiers: MedGen C4021107, HP:0011961.

Allele frequency attached by ClinVar (database versions not stated): gnomAD 0.00086 and 0.00055; 1000 Genomes Project 0.00795; 1000 Genomes Project 30x 0.00874; TOPMed 0.00091; ExAC 0.00152; gnomAD exomes 0.00069 and 0.00205.
gnomAD v4.1: 813 of 1,165,784 alleles (0.07%); highest among the groups gnomAD compares: East Asian, 2.6%; 9 homozygotes.

Submissions (9):

Labcorp Genetics (formerly Invitae), Labcorp
Classification: Benign for Insulin-dependent diabetes mellitus secretory diarrhea syndrome. Last evaluated: 2026-02-02. Review status: criteria provided, single submitter. Criteria: Invitae Variant Classification Sherloc (09022015). Collection method: clinical testing. Allele origin: germline.

Mayo Clinic Laboratories, Mayo Clinic
Classification: Benign. Last evaluated: 2025-07-02. Review status: criteria provided, single submitter. Criteria: ACMG Guidelines, 2015. Collection method: clinical testing. Allele origin: germline. Observed: 1 variant allele.
Comment: BS1, BS2, BP4

Blueprint Genetics
Classification: Likely benign. Last evaluated: 2024-11-19. Review status: criteria provided, single submitter. Criteria: ACMG Guidelines, 2015. Collection method: clinical testing. Allele origin: germline.

Department of Pathology and Laboratory Medicine, Sinai Health System
Classification: Benign for Insulin-dependent diabetes mellitus secretory diarrhea syndrome. Last evaluated: 2022-09-06. Review status: criteria provided, single submitter. Criteria: ACMG Guidelines, 2015. Collection method: research. Allele origin: germline.

Laboratory for Molecular Medicine, Mass General Brigham Personalized Medicine
Classification: Benign. Last evaluated: 2021-11-09. Review status: criteria provided, single submitter. Criteria: ACMG Guidelines, 2015. Collection method: clinical testing. Allele origin: germline.
Comment: The p.Gly52Val variant in FOXP3 is classified as benign because it has been identified in 2.6% (247/9460) of East Asian chromosomes, including 86 hemizygous males, by gnomAD. ACMG/AMP Criteria applied: BA1.

Fulgent Genetics
Classification: Likely benign for Insulin-dependent diabetes mellitus secretory diarrhea syndrome. Last evaluated: 2021-07-14. Review status: criteria provided, single submitter. Criteria: ACMG Guidelines, 2015. Collection method: clinical testing. Allele origin: unknown.

Genetic Services Laboratory, University of Chicago
Classification: Benign. Last evaluated: 2017-08-10. Review status: criteria provided, single submitter. Criteria: ACMG Guidelines, 2015. Collection method: clinical testing. Allele origin: germline. Affected: no.

PreventionGenetics, part of Exact Sciences
Classification: Benign for FOXP3-related condition. Last evaluated: 2019-09-06. Review status: no assertion criteria provided. Collection method: clinical testing. Allele origin: germline. Not counted in ClinVar's aggregate classification.
Comment: This variant is classified as benign based on ACMG/AMP sequence variant interpretation guidelines (Richards et al. 2015 PMID: 25741868, with internal and published modifications).

State Key Laboratory of Oncogenes and Related Genes, Shanghai Cancer Institute, Ren Ji Hospital, School of Medicine, Shanghai Jiao Tong University
Classification: Pathogenic for Non-obstructive azoospermia. Review status: no assertion criteria provided. Collection method: case-control. Allele origin: maternal, unknown. Affected: yes. Observed: 9 variant alleles. Not counted in ClinVar's aggregate classification.

Literature cited by the submitters: PubMed 29340042 (cited by Mayo Clinic Laboratories, Mayo Clinic); PubMed 31855573 (cited by Mayo Clinic Laboratories, Mayo Clinic); PubMed 24258212 (cited by State Key Laboratory of Oncogenes and Related Genes, Shanghai Cancer Institute, Ren Ji Hospital, School of Medicine, Shanghai Jiao Tong University).